The following is an entry in ClinVar:

ClinVar aggregate classification (germline): Likely benign. Review status: criteria provided, multiple submitters, no conflicts (2 of 4 stars). 4 submissions from 4 submitters: Likely benign (4). Last evaluated 2026-02-03.

Allele frequency attached by ClinVar (database versions not stated): 1000 Genomes Project 0.00020; ESP Exome Variant Server 0.00038; 1000 Genomes Project 30x 0.00062.

Submissions (4):

Labcorp Genetics (formerly Invitae), Labcorp
Classification: Likely benign. Last evaluated: 2026-02-03. Review status: criteria provided, single submitter. Criteria: Invitae Variant Classification Sherloc (09022015). Collection method: clinical testing. Allele origin: germline.

Blueprint Genetics
Classification: Likely benign. Last evaluated: 2024-08-08. Review status: criteria provided, single submitter. Criteria: ACMG Guidelines, 2015. Collection method: clinical testing. Allele origin: germline.

CeGaT Center for Human Genetics Tuebingen
Classification: Likely benign. Last evaluated: 2023-07-01. Review status: criteria provided, single submitter. Criteria: CeGaT Center For Human Genetics Tuebingen Variant Classification Criteria Version 2. Collection method: clinical testing. Allele origin: germline. Affected: yes. Observed: 1 variant allele.
Comment: TUBGCP6: BP4, BP7

GeneDx
Classification: Likely benign. Last evaluated: 2019-09-10. Review status: criteria provided, single submitter. Criteria: GeneDx Variant Classification Process June 2021. Collection method: clinical testing. Allele origin: germline. Affected: yes.

NM_020461.4(TUBGCP6):c.3741C>T (p.Asp1247=)

Gene: TUBGCP6 (tubulin gamma complex component 6; minus strand). Cytogenetic location: 22q13.33.
Variant type: single nucleotide variant.
Coding change: c.3741C>T on transcript NM_020461.4 (MANE Select); coding-DNA position 3741, C replaced by T.
Protein change: p.Asp1247=; no amino-acid change (aspartic acid 1247 retained).
Molecular consequence: synonymous variant.
Genome position (GRCh38, 1-based): chr22:50,220,618, G>A on the plus strand (C>T on the coding strand, the complement: TUBGCP6 is on the minus strand). VCF-style: chr22-50220618-G-A. GRCh37 (hg19) VCF-style: chr22-50659047-G-A.
Identifiers: ClinVar variation 1110192 (VCV001110192.35), dbSNP rs147606883, ClinGen allele CA10307834.